The following is an entry in ClinVar:

NM_002878.4(RAD51D):c.109del (p.Glu37fs)

Genes: RAD51D (RAD51 paralog D; minus strand), RAD51L3-RFFL (RAD51L3-RFFL readthrough; minus strand). Cytogenetic location: 17q12.
Variant type: Deletion.
Coding change: c.109del on transcript NM_002878.4 (MANE Select); coding-DNA position 109, one base deleted (G; older notation c.109delG).
Protein change: p.Glu37fs; shifts the reading frame from glutamic acid 37.
Molecular consequence: frameshift variant. On other transcripts: non-coding transcript variant (2).
Genome position (GRCh38, 1-based): chr17:35,119,146, C deleted on the plus strand (G on the coding strand, the reverse complement: RAD51D is on the minus strand); the first of 2 consecutive C bases (chr17:35,119,146-35,119,147); deleting either gives the same sequence. VCF-style (leftmost placement, unchanged base first): chr17-35119145-TC-T. GRCh37 (hg19) VCF-style: chr17-33446164-TC-T.
Other names: c.109del, p.Glu37fs (NM_001142571.2, NM_133629.3); c.109delG (NM_002878.3); short protein forms E37fs.
Identifiers: ClinVar variation 968765 (VCV000968765.8), dbSNP rs2091788666, ClinGen allele CA1139665485.

ClinVar aggregate classification (germline): Pathogenic/Likely pathogenic. Review status: criteria provided, multiple submitters, no conflicts (2 of 4 stars). 3 submissions from 3 submitters: Pathogenic (2); Likely pathogenic (1). Last evaluated 2025-12-09.

Conditions:
Hereditary cancer-predisposing syndrome. Also called: Neoplastic Syndromes, Hereditary; Hereditary Cancer Syndrome; Tumor predisposition; Hereditary neoplastic syndrome. Identifiers: Orphanet 140162, MedGen C0027672, MeSH D009386, MONDO:0015356.
Breast-ovarian cancer, familial, susceptibility to, 4. Identifiers: Orphanet 145, MedGen C3280345, MONDO:0013669, OMIM 614291.

Submissions (3):

Ambry Genetics
Classification: Likely pathogenic for Hereditary cancer-predisposing syndrome. Last evaluated: 2025-12-09. Review status: criteria provided, single submitter. Criteria: Ambry Variant Classification Scheme 2023. Collection method: clinical testing. Allele origin: germline.
Comment: The c.109delG variant, located in coding exon 2 of the RAD51D gene, results from a deletion of one nucleotide at nucleotide position 109, causing a translational frameshift with a predicted alternate stop codon (p.E37Kfs*3). This alteration is expected to result in loss of function by premature protein truncation or nonsense-mediated mRNA decay. As such, this alteration is interpreted as a disease-causing mutation.

Labcorp Genetics (formerly Invitae), Labcorp
Classification: Pathogenic for Breast-ovarian cancer, familial, susceptibility to, 4. Last evaluated: 2025-08-07. Review status: criteria provided, single submitter. Criteria: Invitae Variant Classification Sherloc (09022015). Collection method: clinical testing. Allele origin: germline.
Comment: This sequence change creates a premature translational stop signal (p.Glu37Lysfs*3) in the RAD51D gene. It is expected to result in an absent or disrupted protein product. Loss-of-function variants in RAD51D are known to be pathogenic (PMID: 21822267). This variant is not present in population databases (gnomAD no frequency). This variant has not been reported in the literature in individuals affected with RAD51D-related conditions. ClinVar contains an entry for this variant (Variation ID: 968765). For these reasons, this variant has been classified as Pathogenic.

Myriad Genetics, Inc.
Classification: Pathogenic for Breast-ovarian cancer, familial, susceptibility to, 4. Last evaluated: 2024-01-03. Review status: criteria provided, single submitter. Criteria: Myriad Autosomal Dominant, Autosomal Recessive and X-Linked Classification Criteria (2023). Collection method: clinical testing. Allele origin: unknown.
Comment: This variant is considered pathogenic. This variant creates a frameshift predicted to result in premature protein truncation.

Literature cited by the submitters: PubMed 21822267 (cited by Labcorp Genetics (formerly Invitae), Labcorp).